The following is an entry in ClinVar:

ClinVar aggregate classification (germline): Pathogenic (1 of 4 stars; one submission).

Submission:

ISCA site 4
Classification: Pathogenic. Last evaluated: 2011-08-12. Review status: criteria provided, single submitter. Criteria: Kaminsky et al. (Genet Med. 2011). Collection method: clinical testing. Allele origin: paternal. Affected: yes. Observed: 1 variant allele.
Comment: Copy number variation identified through the course of routine clinical cytogenomic testing in postnatal populations. Clinical assertions have been curated as described in Kaminsky et al. 2011.

GRCh38/hg38 15q13.3-14(chr15:32607298-35200429)x3

Genes: ACTC1 (actin alpha cardiac muscle 1; minus strand), AQR (aquarius intron-binding spliceosomal factor; minus strand), ARHGAP11A (Rho GTPase activating protein 11A; plus strand), ARHGAP11A-DT (ARHGAP11A divergent transcript; minus strand), ARHGAP11A-SCG5 (ARHGAP11A-SCG5 readthrough; plus strand) and 90 more. Cytogenetic location: 15q13.3-14.
Variant type: copy number gain.
Change: copy number 3 (three copies instead of two) of chr15:32,607,298-35,200,429 (2.59 Mb, GRCh38 coordinates, 1-based), cytogenetic band 15q13.3-14.
Identifiers: ClinVar variation 57451 (VCV000057451.1).